The following is an entry in ClinVar:

ClinVar aggregate classification (germline): Likely benign. Review status: criteria provided, multiple submitters, no conflicts (2 of 4 stars). 2 submissions from 2 submitters: Likely benign (2). Last evaluated 2026-01-12.

Conditions:
Charcot-Marie-Tooth disease axonal type 2O. Also called: CHARCOT-MARIE-TOOTH NEUROPATHY, AXONAL, TYPE 2O; CHARCOT-MARIE-TOOTH DISEASE, AXONAL, AUTOSOMAL DOMINANT, TYPE 2O; Charcot-Marie-Tooth Neuropathy Type 2O; Charcot-Marie-Tooth disease, axonal, type 20. Identifiers: Orphanet 284232, MedGen C3280220, MONDO:0013644, OMIM 614228.

Allele frequency attached by ClinVar (database versions not stated): gnomAD exomes below 0.00001; TOPMed below 0.00001; ExAC 0.00001; gnomAD 0.00001.
gnomAD v4.1: 3 of 1,614,094 alleles (0.00019%); highest among the groups gnomAD compares: Middle Eastern, 0.016%; no homozygotes.

Submissions (2):

Labcorp Genetics (formerly Invitae), Labcorp
Classification: Likely benign for Charcot-Marie-Tooth disease axonal type 2O. Last evaluated: 2026-01-12. Review status: criteria provided, single submitter. Criteria: Invitae Variant Classification Sherloc (09022015). Collection method: clinical testing. Allele origin: germline.

CeGaT Center for Human Genetics Tuebingen
Classification: Likely benign. Last evaluated: 2022-09-01. Review status: criteria provided, single submitter. Criteria: CeGaT Center For Human Genetics Tuebingen Variant Classification Criteria Version 2. Collection method: clinical testing. Allele origin: germline. Affected: yes. Observed: 1 variant allele.
Comment: DYNC1H1: BP4, BP7

NM_001376.5(DYNC1H1):c.12879C>T (p.Asp4293=)

Gene: DYNC1H1 (dynein cytoplasmic 1 heavy chain 1; plus strand). Cytogenetic location: 14q32.31.
Variant type: single nucleotide variant.
Coding change: c.12879C>T on transcript NM_001376.5 (MANE Select); coding-DNA position 12879, C replaced by T.
Protein change: p.Asp4293=; no amino-acid change (aspartic acid 4293 retained).
Molecular consequence: synonymous variant.
Genome position (GRCh38, 1-based): chr14:102,044,468, C>T. VCF-style: chr14-102044468-C-T. GRCh37 (hg19) VCF-style: chr14-102510805-C-T.
Identifiers: ClinVar variation 1653708 (VCV001653708.32), dbSNP rs772763192, ClinGen allele CA7354052.
Genomic context (GRCh38, chr14:102,044,468, plus strand): 5'-CACAACCAGGAGTTTCGACAGTGAGTTTAAGCTGGCATGCAAGGTCGACGGACATAAAGA[C>T]ATTCAAATGCCAGATGGCATCAGGTATGCTGCTGCCTGCTGGAATGGAGACAGTTGTGAT-3'
Protein context (NP_001367.2, residues 4283-4303): KLACKVDGHK[Asp4293=]IQMPDGIRRE